The following is an entry in ClinVar:

NM_182961.4(SYNE1):c.1584del (p.Lys529fs)

Gene: SYNE1 (spectrin repeat containing nuclear envelope protein 1; minus strand). Cytogenetic location: 6q25.2.
Variant type: Deletion.
Coding change: c.1584del on transcript NM_182961.4 (MANE Select); coding-DNA position 1584, one base deleted (T; older notation c.1584delT).
Protein change: p.Lys529fs; shifts the reading frame from lysine 529.
Molecular consequence: frameshift variant.
Genome position (GRCh38, 1-based): chr6:152,471,645, A deleted on the plus strand (T on the coding strand, the reverse complement: SYNE1 is on the minus strand); the first of 2 consecutive A bases (chr6:152,471,645-152,471,646); deleting either gives the same sequence. VCF-style (leftmost placement, unchanged base first): chr6-152471644-TA-T. GRCh37 (hg19) VCF-style: chr6-152792779-TA-T.
Other names: c.1605del, p.Lys536fs (NM_033071.5); short protein forms K529fs, K536fs.
Identifiers: ClinVar variation 3750783 (VCV003750783.2).

ClinVar aggregate classification (germline): Pathogenic (1 of 4 stars; one submission).

Conditions:
Emery-Dreifuss muscular dystrophy 4, autosomal dominant (EDMD4). Also called: EMERY-DREIFUSS MUSCULAR DYSTROPHY 4 WITH VARIABLE FEATURES. Identifiers: Orphanet 261, MedGen C2751807, MONDO:0013071, OMIM 612998.
Autosomal recessive ataxia, Beauce type. Also called: Spinocerebellar ataxia, autosomal recessive 8; ATAXIA, RECESSIVE, OF BEAUCE; SYNE1-Related Autosomal Recessive Cerebellar Ataxia; SYNE1 Deficiency. Identifiers: Orphanet 88644, MedGen C1853116, MONDO:0012549, OMIM 610743.

Submission:

Labcorp Genetics (formerly Invitae), Labcorp
Classification: Pathogenic for Emery-Dreifuss muscular dystrophy 4, autosomal dominant; Autosomal recessive ataxia, Beauce type. Last evaluated: 2024-11-02. Review status: criteria provided, single submitter. Criteria: Invitae Variant Classification Sherloc (09022015). Collection method: clinical testing. Allele origin: germline.
Comment: This sequence change creates a premature translational stop signal (p.Lys536Serfs*19) in the SYNE1 gene. It is expected to result in an absent or disrupted protein product. Loss-of-function variants in SYNE1 are known to be pathogenic (PMID: 19542096, 24319099, 27086870). This variant is not present in population databases (gnomAD no frequency). This variant has not been reported in the literature in individuals affected with SYNE1-related conditions. For these reasons, this variant has been classified as Pathogenic.

Literature cited by the submitters: PubMed 19542096; PubMed 24319099; PubMed 27086870.